The following is an entry in ClinVar:

ClinVar aggregate classification (germline): Uncertain significance (1 of 4 stars; one submission).

Conditions:
Kabuki syndrome. Also called: Kabuki make-up syndrome; NIIKAWA-KUROKI SYNDROME. Identifiers: Orphanet 2322, MedGen C0796004, MONDO:0016512.

Submission:

Labcorp Genetics (formerly Invitae), Labcorp
Classification: Uncertain significance for Kabuki syndrome. Last evaluated: 2023-03-31. Review status: criteria provided, single submitter. Criteria: Invitae Variant Classification Sherloc (09022015). Collection method: clinical testing. Allele origin: germline.
Comment: This variant has not been reported in the literature in individuals affected with KMT2D-related conditions. In summary, the available evidence is currently insufficient to determine the role of this variant in disease. Therefore, it has been classified as a Variant of Uncertain Significance. Advanced modeling of protein sequence and biophysical properties (such as structural, functional, and spatial information, amino acid conservation, physicochemical variation, residue mobility, and thermodynamic stability) performed at Invitae indicates that this missense variant is not expected to disrupt KMT2D protein function. This variant is not present in population databases (gnomAD no frequency). This sequence change replaces leucine, which is neutral and non-polar, with valine, which is neutral and non-polar, at codon 256 of the KMT2D protein (p.Leu256Val).

NM_003482.4(KMT2D):c.766C>G (p.Leu256Val)

Gene: KMT2D (lysine methyltransferase 2D; minus strand). Cytogenetic location: 12q13.12.
Variant type: single nucleotide variant.
Coding change: c.766C>G on transcript NM_003482.4 (MANE Select); coding-DNA position 766, C replaced by G.
Protein change: p.Leu256Val; replaces leucine 256 with valine.
Molecular consequence: missense variant.
Genome position (GRCh38, 1-based): chr12:49,053,549, G>C on the plus strand (C>G on the coding strand, the complement: KMT2D is on the minus strand). VCF-style: chr12-49053549-G-C. GRCh37 (hg19) VCF-style: chr12-49447332-G-C.
Other names: short protein forms L256V.
Identifiers: ClinVar variation 2851306 (VCV002851306.3), dbSNP rs1373765624, ClinGen allele CA384681115.